The following is an entry in ClinVar:

ClinVar aggregate classification (germline): Uncertain significance (1 of 4 stars; one submission).

Conditions:
Myasthenic syndrome, congenital, 22 (CMS22). Also called: PREPL DEFICIENCY. Identifiers: MedGen C4479088, MONDO:0044299, OMIM 616224.

Submission:

Labcorp Genetics (formerly Invitae), Labcorp
Classification: Uncertain significance for Myasthenic syndrome, congenital, 22. Last evaluated: 2023-12-21. Review status: criteria provided, single submitter. Criteria: Invitae Variant Classification Sherloc (09022015). Collection method: clinical testing. Allele origin: germline.
Comment: This sequence change replaces aspartic acid, which is acidic and polar, with asparagine, which is neutral and polar, at codon 307 of the PREPL protein (p.Asp307Asn). This variant is not present in population databases (gnomAD no frequency). This variant has not been reported in the literature in individuals affected with PREPL-related conditions. ClinVar contains an entry for this variant (Variation ID: 1714278). Advanced modeling of protein sequence and biophysical properties (such as structural, functional, and spatial information, amino acid conservation, physicochemical variation, residue mobility, and thermodynamic stability) performed at Invitae indicates that this missense variant is not expected to disrupt PREPL protein function with a negative predictive value of 80%. In summary, the available evidence is currently insufficient to determine the role of this variant in disease. Therefore, it has been classified as a Variant of Uncertain Significance.

NM_001171613.2(PREPL):c.652G>A (p.Asp218Asn)

Gene: PREPL (prolyl endopeptidase like; minus strand). Cytogenetic location: 2p21.
Variant type: single nucleotide variant.
Coding change: c.652G>A on transcript NM_001171613.2 (MANE Select); coding-DNA position 652, G replaced by A.
Protein change: p.Asp218Asn; replaces aspartic acid 218 with asparagine.
Molecular consequence: missense variant.
Genome position (GRCh38, 1-based): chr2:44,339,197, C>T on the plus strand (G>A on the coding strand, the complement: PREPL is on the minus strand). VCF-style: chr2-44339197-C-T. GRCh37 (hg19) VCF-style: chr2-44566336-C-T.
Other names: c.919G>A, p.Asp307Asn (NM_001042385.2, NM_001042386.2, NM_001171603.1 and 4 more transcripts); c.652G>A, p.Asp218Asn (NM_001171617.1, NM_001374277.1); short protein forms D218N, D307N.
Identifiers: ClinVar variation 1714278 (VCV001714278.5), dbSNP rs2466235918, ClinGen allele CA346691888.